The following is an entry in ClinVar:

NM_006922.4(SCN3A):c.4784T>G (p.Val1595Gly)

Gene: SCN3A (sodium voltage-gated channel alpha subunit 3; minus strand). Cytogenetic location: 2q24.3.
Variant type: single nucleotide variant.
Coding change: c.4784T>G on transcript NM_006922.4 (MANE Select); coding-DNA position 4784, T replaced by G.
Protein change: p.Val1595Gly; replaces valine 1595 with glycine.
Molecular consequence: missense variant.
Genome position (GRCh38, 1-based): chr2:165,092,277, A>C on the plus strand (T>G on the coding strand, the complement: SCN3A is on the minus strand). VCF-style: chr2-165092277-A-C. GRCh37 (hg19) VCF-style: chr2-165948787-A-C.
Other names: c.4637T>G, p.Val1546Gly (NM_001081676.2, NM_001081677.2); short protein forms V1546G, V1595G.
Identifiers: ClinVar variation 1469205 (VCV001469205.6), dbSNP rs2105626123, ClinGen allele CA349018746.

ClinVar aggregate classification (germline): Uncertain significance (1 of 4 stars; one submission).

Submission:

Labcorp Genetics (formerly Invitae), Labcorp
Classification: Uncertain significance. Last evaluated: 2021-11-28. Review status: criteria provided, single submitter. Criteria: Invitae Variant Classification Sherloc (09022015). Collection method: clinical testing. Allele origin: germline.
Comment: Algorithms developed to predict the effect of missense changes on protein structure and function are either unavailable or do not agree on the potential impact of this missense change (SIFT: "Deleterious"; PolyPhen-2: "Probably Damaging"; Align-GVGD: "Class C0"). This variant has not been reported in the literature in individuals affected with SCN3A-related conditions. This variant is not present in population databases (gnomAD no frequency). This sequence change replaces valine, which is neutral and non-polar, with glycine, which is neutral and non-polar, at codon 1595 of the SCN3A protein (p.Val1595Gly). In summary, the available evidence is currently insufficient to determine the role of this variant in disease. Therefore, it has been classified as a Variant of Uncertain Significance.